The following is an entry in ClinVar:

ClinVar aggregate classification (germline): Likely benign (1 of 4 stars; one submission).

gnomAD v4.1: 14 of 933,022 alleles (0.0015%); highest among the groups gnomAD compares: East Asian, 0.025%; no homozygotes.

Submission:

CeGaT Center for Human Genetics Tuebingen
Classification: Likely benign. Last evaluated: 2024-12-01. Review status: criteria provided, single submitter. Criteria: CeGaT Center For Human Genetics Tuebingen Variant Classification Criteria Version 2. Collection method: clinical testing. Allele origin: germline. Affected: yes. Observed: 1 variant allele.
Comment: MTFR1: BP4, BP7

NM_014637.4(MTFR1):c.576G>A (p.Pro192=)

Gene: MTFR1 (mitochondrial fission regulator 1; plus strand). Cytogenetic location: 8q13.1.
Variant type: single nucleotide variant.
Coding change: c.576G>A on transcript NM_014637.4 (MANE Select); coding-DNA position 576, G replaced by A.
Protein change: p.Pro192=; no amino-acid change (proline 192 retained).
Molecular consequence: synonymous variant. On other transcripts: non-coding transcript variant (4).
Genome position (GRCh38, 1-based): chr8:65,707,068, G>A. VCF-style: chr8-65707068-G-A. GRCh37 (hg19) VCF-style: chr8-66619303-G-A.
Other names: c.477G>A, p.Pro159= (NM_001145838.2); c.576G>A, p.Pro192= (NM_001145839.2, NM_001413068.1, NM_001413069.1 and 13 more transcripts); c.537G>A, p.Pro179= (NM_001413079.1).
Identifiers: ClinVar variation 3772655 (VCV003772655.13).